The following is an entry in ClinVar:

ClinVar aggregate classification (germline): Uncertain significance (1 of 4 stars; one submission).

Submission:

GeneDx
Classification: Uncertain significance. Last evaluated: 2024-05-02. Review status: criteria provided, single submitter. Criteria: GeneDx Variant Classification Process June 2021. Collection method: clinical testing. Allele origin: germline. Affected: yes.
Comment: Not observed at significant frequency in large population cohorts (gnomAD); In silico analysis indicates that this missense variant does not alter protein structure/function; Has not been previously published as pathogenic or benign to our knowledge

NM_021224.6(ZNF462):c.3743T>C (p.Val1248Ala)

Gene: ZNF462 (zinc finger protein 462; plus strand). Cytogenetic location: 9q31.2.
Variant type: single nucleotide variant.
Coding change: c.3743T>C on transcript NM_021224.6 (MANE Select); coding-DNA position 3743, T replaced by C.
Protein change: p.Val1248Ala; replaces valine 1248 with alanine.
Molecular consequence: missense variant. On other transcripts: intron variant (1).
Genome position (GRCh38, 1-based): chr9:106,927,655, T>C. VCF-style: chr9-106927655-T-C. GRCh37 (hg19) VCF-style: chr9-109689936-T-C.
Other names: c.3252+491T>C (NM_001347997.2); short protein forms V1248A.
Identifiers: ClinVar variation 3376053 (VCV003376053.1).